The following is an entry in ClinVar:

NM_000261.2(MYOC):c.1081C>T (p.Pro361Ser)

Gene: MYOC (myocilin; minus strand). Cytogenetic location: 1q24.3.
Variant type: single nucleotide variant.
Coding change: c.1081C>T on transcript NM_000261.2 (MANE Select); coding-DNA position 1081, C replaced by T.
Protein change: p.Pro361Ser; replaces proline 361 with serine.
Molecular consequence: missense variant.
Genome position (GRCh38, 1-based): chr1:171,636,359, G>A on the plus strand (C>T on the coding strand, the complement: MYOC is on the minus strand). VCF-style: chr1-171636359-G-A. GRCh37 (hg19) VCF-style: chr1-171605499-G-A.
Other names: NM_000261.2:c.1081C>T; short protein forms P361S.
Identifiers: ClinVar variation 1810376 (VCV001810376.2), dbSNP rs1344039930, ClinGen allele CA343724789.

ClinVar aggregate classification (germline): Uncertain significance (3 of 4 stars; one submission).

Conditions:
Open-angle glaucoma. Identifiers: MedGen C0017612, MONDO:0005338, HP:0012108.

Allele frequency attached by ClinVar (database versions not stated): TOPMed below 0.00001; gnomAD 0.00001.
gnomAD v4.1: 1 of 1,613,834 alleles (0.000062%); highest among the groups gnomAD compares: Non-Finnish European, 0.000085%; no homozygotes.

Submission:

ClinGen Glaucoma Variant Curation Expert Panel
Classification: Uncertain significance for Open-angle glaucoma. Last evaluated: 2025-12-03. Review status: reviewed by expert panel. Criteria: ClinGen Glaucoma ACMG Specifications V2.0.0 Approved. Collection method: curation. Allele origin: germline. Inheritance: Autosomal dominant inheritance.
Comment: The c.1081C>T variant in MYOC is a missense variant predicted to cause substitution of Proline by Serine at amino acid 361 (p.Pro361Ser). The highest minor allele frequency of this variant was in the European (non-Finnish) genetic ancestry group of gnomAD (v4.1.0) = 0.0000008475 (1 allele out of 1,180,008), which met the ≤ 0.0001 threshold set for PM2_Supporting in a genetic ancestry group of at least 10,000 alleles. The REVEL score = 0.853, which was within the 0.773-0.931 range for PP3_Moderate, predicting a damaging effect on MYOC function. There was no functional evidence predicting a damaging or benign impact of this variant on MYOC function. Only 1 proband with POAG had been reported (PMID: 9535666), not meeting the ≥ 2 probands threshold required to meet PS4_Supporting. In summary, this variant met the criteria to receive a score of 3 and to be classified as a variant of uncertain significance (uncertain significance classification range -1 to 5, adapted from PMID: 32720330) for primary open angle glaucoma based on the ACMG/AMP criteria met, as specified by the ClinGen Glaucoma VCEP (v2.0.0, 5 Dec 2024): PP3_Moderate, PM2_Supporting.